The following is an entry in ClinVar:

ClinVar aggregate classification (germline): Conflicting classifications of pathogenicity. Review status: criteria provided, conflicting classifications (1 of 4 stars). 3 submissions from 3 submitters: Likely pathogenic (2); Uncertain significance (1). Last evaluated 2024-12-11.

Conditions:
Otofaciocervical syndrome 2 (OTFCS2). Also called: OTOFACIOCERVICAL SYNDROME 2, WITH T-CELL DEFICIENCY. Identifiers: MedGen C5442121, MONDO:0014254, OMIM 615560.

Submissions (3):

GeneDx
Classification: Likely pathogenic. Last evaluated: 2024-12-11. Review status: criteria provided, single submitter. Criteria: GeneDx Variant Classification Process June 2021. Collection method: clinical testing. Allele origin: germline. Affected: yes.
Comment: Frameshift variant predicted to result in abnormal protein length as the last 130 amino acid(s) are replaced with 50 different amino acid(s), and other similar variants have been reported in HGMD; This variant is associated with the following publications: (PMID: 37924468)

Labcorp Genetics (formerly Invitae), Labcorp
Classification: Uncertain significance. Last evaluated: 2024-11-05. Review status: criteria provided, single submitter. Criteria: Invitae Variant Classification Sherloc (09022015). Collection method: clinical testing. Allele origin: germline.
Comment: This sequence change creates a premature translational stop signal (p.Gly405Argfs*51) in the PAX1 gene. While this is not anticipated to result in nonsense mediated decay, it is expected to disrupt the last 130 amino acid(s) of the PAX1 protein. The frequency data for this variant in the population databases is considered unreliable, as metrics indicate poor data quality at this position in the gnomAD database. This variant has not been reported in the literature in individuals affected with PAX1-related conditions. ClinVar contains an entry for this variant (Variation ID: 1806835). Experimental studies and prediction algorithms are not available or were not evaluated, and the functional significance of this variant is currently unknown. In summary, the available evidence is currently insufficient to determine the role of this variant in disease. Therefore, it has been classified as a Variant of Uncertain Significance.

Medical Molecular Genetics Department, National Research Center
Classification: Likely pathogenic for Otofaciocervical syndrome 2. Last evaluated: 2022-01-12. Review status: criteria provided, single submitter. Criteria: ACMG Guidelines, 2015. Collection method: clinical testing. Allele origin: germline. Affected: yes. Observed: 1 variant allele.

NM_001257096.2(PAX1):c.1212dup (p.Gly405fs)

Gene: PAX1 (paired box 1; plus strand). Cytogenetic location: 20p11.22.
Variant type: Duplication.
Coding change: c.1212dup on transcript NM_001257096.2 (MANE Select); coding-DNA position 1212, one base duplicated (C; older notation c.1212dupC).
Protein change: p.Gly405fs; shifts the reading frame from glycine 405.
Molecular consequence: frameshift variant.
Genome position (GRCh38, 1-based): chr20:21,709,374, C duplicated; the last of 6 consecutive C bases (chr20:21,709,369-21,709,374); duplicating any one gives the same sequence. VCF-style (leftmost placement, unchanged base first): chr20-21709368-G-GC. GRCh37 (hg19) VCF-style: chr20-21690006-G-GC.
Other names: c.1212dup, p.Gly405fs (NM_006192.5); short protein forms G405fs.
Identifiers: ClinVar variation 1806835 (VCV001806835.8), dbSNP rs1555804794, ClinGen allele CA635099966.